The following is an entry in ClinVar:

ClinVar aggregate classification (germline): Uncertain significance (1 of 4 stars; one submission).

Conditions:
AGO1-related disorder. Also called: AGO1-related condition.

Submission:

PreventionGenetics, part of Exact Sciences
Classification: Uncertain significance for AGO1-related condition. Last evaluated: 2022-10-22. Review status: criteria provided, single submitter. Criteria: ACMG Guidelines, 2015. Collection method: clinical testing. Allele origin: germline.
Comment: The AGO1 c.2246G>A variant is predicted to result in the amino acid substitution p.Cys749Tyr. To our knowledge, this variant has not been reported in the literature or in a large population database, indicating this variant is rare. At this time, the clinical significance of this variant is uncertain due to the absence of conclusive functional and genetic evidence.

NM_012199.5(AGO1):c.2246G>A (p.Cys749Tyr)

Gene: AGO1 (argonaute RISC component 1; plus strand). Cytogenetic location: 1p34.3.
Variant type: single nucleotide variant.
Coding change: c.2246G>A on transcript NM_012199.5 (MANE Select); coding-DNA position 2246, G replaced by A.
Protein change: p.Cys749Tyr; replaces cysteine 749 with tyrosine.
Molecular consequence: missense variant.
Genome position (GRCh38, 1-based): chr1:35,918,404, G>A. VCF-style: chr1-35918404-G-A. GRCh37 (hg19) VCF-style: chr1-36384005-G-A.
Other names: c.2246G>A, p.Cys749Tyr (NM_001317122.2); c.2021G>A, p.Cys674Tyr (NM_001317123.2); short protein forms C674Y, C749Y.
Identifiers: ClinVar variation 2635260 (VCV002635260.1), dbSNP rs2523932834, ClinGen allele CA339363103.